The following is an entry in ClinVar:

ClinVar aggregate classification (germline): Uncertain significance (1 of 4 stars; one submission).

Allele frequency attached by ClinVar (database versions not stated): gnomAD exomes below 0.00001 and 0.00001; gnomAD 0.00001; TOPMed 0.00001.

Submission:

GeneDx
Classification: Uncertain significance. Last evaluated: 2022-02-14. Review status: criteria provided, single submitter. Criteria: GeneDx Variant Classification Process June 2021. Collection method: clinical testing. Allele origin: germline. Affected: yes.
Comment: Not observed at significant frequency in large population cohorts (gnomAD); In silico analysis supports that this missense variant does not alter protein structure/function; Has not been previously published as pathogenic or benign to our knowledge

NM_145239.3(PRRT2):c.77G>C (p.Gly26Ala)

Genes: MVP-DT (MVP divergent transcript; minus strand), PRRT2 (proline rich transmembrane protein 2; plus strand). Cytogenetic location: 16p11.2.
Variant type: single nucleotide variant.
Coding change: c.77G>C on transcript NM_145239.3 (MANE Select); coding-DNA position 77, G replaced by C.
Protein change: p.Gly26Ala; replaces glycine 26 with alanine.
Molecular consequence: missense variant.
Genome position (GRCh38, 1-based): chr16:29,813,131, G>C. VCF-style: chr16-29813131-G-C. GRCh37 (hg19) VCF-style: chr16-29824452-G-C.
Other names: c.77G>C, p.Gly26Ala (NM_001256442.2, NM_001256443.2); short protein forms G26A.
Identifiers: ClinVar variation 1342734 (VCV001342734.2), dbSNP rs1227681764, ClinGen allele CA395477179.